The following is an entry in ClinVar:

NM_001035.3(RYR2):c.7710A>T (p.Glu2570Asp)

Gene: RYR2 (ryanodine receptor 2; plus strand). Cytogenetic location: 1q43.
Variant type: single nucleotide variant.
Coding change: c.7710A>T on transcript NM_001035.3 (MANE Select); coding-DNA position 7710, A replaced by T.
Protein change: p.Glu2570Asp; replaces glutamic acid 2570 with aspartic acid.
Molecular consequence: missense variant.
Genome position (GRCh38, 1-based): chr1:237,650,074, A>T. VCF-style: chr1-237650074-A-T. GRCh37 (hg19) VCF-style: chr1-237813374-A-T.
Other names: short protein forms E2570D.
Identifiers: ClinVar variation 4756767 (VCV004756767.1).

ClinVar aggregate classification (germline): Uncertain significance (1 of 4 stars; one submission).

Conditions:
Cardiomyopathy (CMYO). Also called: Cardiomyopathies. Identifiers: Orphanet 167848, MedGen C0878544, MONDO:0004994, HP:0001638. Inheritance: Various modes of inheritance.

Submission:

Color Diagnostics, LLC DBA Color Health
Classification: Uncertain significance for Cardiomyopathy. Last evaluated: 2025-06-03. Review status: criteria provided, single submitter. Criteria: ACMG Guidelines, 2015. Collection method: clinical testing. Allele origin: germline.
Comment: This missense variant replaces glutamic acid with aspartic acid at codon 2570 of the RYR2 protein. Computational prediction is inconclusive regarding the impact of this variant on protein structure and function. To our knowledge, functional studies have not been reported for this variant. This variant has not been reported in individuals affected with RYR2-related disorders in the literature. This variant has not been identified in the general population by the Genome Aggregation Database (gnomAD). The available evidence is insufficient to determine the role of this variant in disease conclusively. Therefore, this variant is classified as a Variant of Uncertain Significance.